The following is an entry in ClinVar:

NM_000020.3(ACVRL1):c.667G>A (p.Gly223Ser)

Gene: ACVRL1 (activin A receptor like type 1; plus strand). Cytogenetic location: 12q13.13.
Variant type: single nucleotide variant.
Coding change: c.667G>A on transcript NM_000020.3 (MANE Select); coding-DNA position 667, G replaced by A.
Protein change: p.Gly223Ser; replaces glycine 223 with serine.
Molecular consequence: missense variant.
Genome position (GRCh38, 1-based): chr12:51,914,480, G>A. VCF-style: chr12-51914480-G-A. GRCh37 (hg19) VCF-style: chr12-52308264-G-A.
Other names: c.667G>A (NM_000020.2); c.667G>A, p.Gly223Ser (NM_001077401.2); short protein forms G223S.
Identifiers: ClinVar variation 1429657 (VCV001429657.9), dbSNP rs1940782114, ClinGen allele CA384900030.

ClinVar aggregate classification (germline): Uncertain significance. Review status: criteria provided, multiple submitters, no conflicts (2 of 4 stars). 3 submissions from 3 submitters: Uncertain significance (3). Last evaluated 2025-04-22.

Conditions:
Cardiovascular phenotype. Identifiers: MedGen CN230736.
Telangiectasia, hereditary hemorrhagic, type 2 (HHT2). Also called: ACVRL1-Related Hereditary Hemorrhagic Telangiectasia; Telangiectasia, hereditary hemorrhagic, type II. Identifiers: Orphanet 774, MedGen C1838163, MONDO:0010880, OMIM 600376. Disease mechanism: loss of function.

Allele frequency attached by ClinVar (database versions not stated): gnomAD exomes below 0.00001; TOPMed below 0.00001.
gnomAD v4.1: 4 of 1,614,162 alleles (0.00025%); highest among the groups gnomAD compares: South Asian, 0.0011%; no homozygotes.

Submissions (3):

Ambry Genetics
Classification: Uncertain significance for Cardiovascular phenotype. Last evaluated: 2025-04-22. Review status: criteria provided, single submitter. Criteria: Ambry Variant Classification Scheme 2023. Collection method: clinical testing. Allele origin: germline.
Comment: The p.G223S variant (also known as c.667G>A), located in coding exon 5 of the ACVRL1 gene, results from a G to A substitution at nucleotide position 667. The glycine at codon 223 is replaced by serine, an amino acid with similar properties. This amino acid position is highly conserved in available vertebrate species. In addition, this alteration is predicted to be deleterious by in silico analysis. Based on the available evidence, the clinical significance of this variant remains unclear.

Labcorp Genetics (formerly Invitae), Labcorp
Classification: Uncertain significance for Telangiectasia, hereditary hemorrhagic, type 2. Last evaluated: 2021-07-14. Review status: criteria provided, single submitter. Criteria: Invitae Variant Classification Sherloc (09022015). Collection method: clinical testing. Allele origin: germline.
Comment: In summary, the available evidence is currently insufficient to determine the role of this variant in disease. Therefore, it has been classified as a Variant of Uncertain Significance. This variant disrupts the p.Gly223 amino acid residue in ACVRL1. Other variant(s) that disrupt this residue have been observed in individuals with ACVRL1-related conditions (PMID: 15024723, 30578397), which suggests that this may be a clinically significant amino acid residue. Algorithms developed to predict the effect of sequence changes on RNA splicing suggest that this variant may create or strengthen a splice site. Advanced modeling of protein sequence and biophysical properties (such as structural, functional, and spatial information, amino acid conservation, physicochemical variation, residue mobility, and thermodynamic stability) performed at Invitae indicates that this missense variant is expected to disrupt ACVRL1 protein function. This variant has not been reported in the literature in individuals affected with ACVRL1-related conditions. This variant is not present in population databases (ExAC no frequency). This sequence change replaces glycine with serine at codon 223 of the ACVRL1 protein (p.Gly223Ser). The glycine residue is highly conserved and there is a small physicochemical difference between glycine and serine.

Fulgent Genetics
Classification: Uncertain significance for Telangiectasia, hereditary hemorrhagic, type 2. Last evaluated: 2021-07-01. Review status: criteria provided, single submitter. Criteria: ACMG Guidelines, 2015. Collection method: clinical testing. Allele origin: unknown.

Literature cited by the submitters: PubMed 15024723 (cited by Labcorp Genetics (formerly Invitae), Labcorp); PubMed 30578397 (cited by Labcorp Genetics (formerly Invitae), Labcorp).